The following is an entry in ClinVar:

ClinVar aggregate classification (germline): Uncertain significance. Review status: criteria provided, multiple submitters, no conflicts (2 of 4 stars). 3 submissions from 3 submitters: Uncertain significance (3). Last evaluated 2024-10-17.

Allele frequency attached by ClinVar (database versions not stated): gnomAD exomes 0.00001 and 0.00002; gnomAD 0.00002; ExAC 0.00001; TOPMed 0.00003.
gnomAD v4.1: 32 of 1,608,438 alleles (0.002%); highest among the groups gnomAD compares: South Asian, 0.0033%; no homozygotes.

Submissions (3):

Labcorp Genetics (formerly Invitae), Labcorp
Classification: Uncertain significance. Last evaluated: 2024-10-17. Review status: criteria provided, single submitter. Criteria: Invitae Variant Classification Sherloc (09022015). Collection method: clinical testing. Allele origin: germline.
Comment: This sequence change replaces arginine, which is basic and polar, with glutamine, which is neutral and polar, at codon 584 of the VARS2 protein (p.Arg584Gln). The frequency data for this variant in the population databases is considered unreliable, as metrics indicate poor data quality at this position in the gnomAD database. This variant has not been reported in the literature in individuals affected with VARS2-related conditions. ClinVar contains an entry for this variant (Variation ID: 1163849). Invitae Evidence Modeling of protein sequence and biophysical properties (such as structural, functional, and spatial information, amino acid conservation, physicochemical variation, residue mobility, and thermodynamic stability) indicates that this missense variant is not expected to disrupt VARS2 protein function with a negative predictive value of 80%. In summary, the available evidence is currently insufficient to determine the role of this variant in disease. Therefore, it has been classified as a Variant of Uncertain Significance.

GeneDx
Classification: Uncertain significance. Last evaluated: 2022-12-02. Review status: criteria provided, single submitter. Criteria: GeneDx Variant Classification Process June 2021. Collection method: clinical testing. Allele origin: germline. Affected: yes.
Comment: Not observed at significant frequency in large population cohorts (gnomAD); In silico analysis supports that this missense variant has a deleterious effect on protein structure/function; Has not been previously published as pathogenic or benign to our knowledge

Mayo Clinic Laboratories, Mayo Clinic
Classification: Uncertain significance. Last evaluated: 2019-05-06. Review status: criteria provided, single submitter. Criteria: ACMG Guidelines, 2015. Collection method: clinical testing. Allele origin: germline. Observed: 1 variant allele.

NM_020442.6(VARS2):c.1661G>A (p.Arg554Gln)

Gene: VARS2 (valyl-tRNA synthetase 2, mitochondrial; plus strand). Cytogenetic location: 6p21.33.
Variant type: single nucleotide variant.
Coding change: c.1661G>A on transcript NM_020442.6 (MANE Select); coding-DNA position 1661, G replaced by A.
Protein change: p.Arg554Gln; replaces arginine 554 with glutamine.
Molecular consequence: missense variant.
Genome position (GRCh38, 1-based): chr6:30,921,617, G>A. VCF-style: chr6-30921617-G-A. GRCh37 (hg19) VCF-style: chr6-30889394-G-A.
Other names: c.1241G>A, p.Arg414Gln (NM_001167733.3); c.1751G>A, p.Arg584Gln (NM_001167734.2); short protein forms R414Q, R554Q, R584Q.
Identifiers: ClinVar variation 1163849 (VCV001163849.9), dbSNP rs765270010, ClinGen allele CA3705997.